The following is an entry in ClinVar:

NM_145045.5(ODAD3):c.1759AAG[1] (p.Lys588del)

Gene: ODAD3 (outer dynein arm docking complex subunit 3; minus strand). Cytogenetic location: 19p13.2.
Variant type: Microsatellite.
Coding change: c.1759AAG[1] on transcript NM_145045.5 (MANE Select); one copy of the 3-base unit AAG starting at c.1759; the reference has two copies in a row; one copy, 3 bases deleted.
Protein change: p.Lys588del; deletes lysine 588.
Molecular consequence: inframe deletion.
Genome position (GRCh38, 1-based): chr19:11,420,859-11,420,861, CTT deleted on the plus strand (AAG on the coding strand, the reverse complement: ODAD3 is on the minus strand); deleting any 3 consecutive bases within chr19:11,420,859-11,420,864 gives the same sequence; the position shown is the placement nearest the transcript's 3' end. VCF-style (leftmost placement, unchanged base first): chr19-11420858-GCTT-G. GRCh37 (hg19) VCF-style: chr19-11531526-GCTT-G.
Other names: c.1597AAG[1], p.Lys534del (NM_001302453.1); c.1579AAG[1], p.Lys528del (NM_001302454.2); short protein forms K528del, K534del, K588del.
Identifiers: ClinVar variation 2063459 (VCV002063459.3), dbSNP rs777990688, ClinGen allele CA9211915.

ClinVar aggregate classification (germline): Uncertain significance. Review status: criteria provided, multiple submitters, no conflicts (2 of 4 stars). 2 submissions from 2 submitters: Uncertain significance (2). Last evaluated 2024-11-27.

Conditions:
Primary ciliary dyskinesia 30. Also called: CILIARY DYSKINESIA, PRIMARY, 30, WITH OR WITHOUT SITUS INVERSUS. Identifiers: Orphanet 244, MedGen C4015016, MONDO:0014465, OMIM 616037.

Submissions (2):

Blueprint Genetics
Classification: Uncertain significance. Last evaluated: 2024-11-27. Review status: criteria provided, single submitter. Criteria: ACMG Guidelines, 2015. Collection method: clinical testing. Allele origin: germline.

Labcorp Genetics (formerly Invitae), Labcorp
Classification: Uncertain significance for Primary ciliary dyskinesia 30. Last evaluated: 2023-08-04. Review status: criteria provided, single submitter. Criteria: Invitae Variant Classification Sherloc (09022015). Collection method: clinical testing. Allele origin: germline.
Comment: This variant, c.1762_1764del, results in the deletion of 1 amino acid(s) of the CCDC151 protein (p.Lys588del), but otherwise preserves the integrity of the reading frame. In summary, the available evidence is currently insufficient to determine the role of this variant in disease. Therefore, it has been classified as a Variant of Uncertain Significance. Experimental studies and prediction algorithms are not available or were not evaluated, and the functional significance of this variant is currently unknown. This variant has not been reported in the literature in individuals affected with CCDC151-related conditions. This variant is present in population databases (rs777990688, gnomAD 0.006%).